The following is an entry in ClinVar:

NM_003872.3(NRP2):c.2758C>A (p.Gln920Lys)

Gene: NRP2 (neuropilin 2; plus strand). Cytogenetic location: 2q33.3.
Variant type: single nucleotide variant.
Coding change: c.2758C>A on transcript NM_003872.3 (MANE Select); coding-DNA position 2758, C replaced by A.
Protein change: p.Gln920Lys; replaces glutamine 920 with lysine.
Molecular consequence: missense variant.
Genome position (GRCh38, 1-based): chr2:205,795,035, C>A. VCF-style: chr2-205795035-C-A. GRCh37 (hg19) VCF-style: chr2-206659759-C-A.
Other names: c.2773C>A, p.Gln925Lys (NM_201266.2); c.2707C>A, p.Gln903Lys (NM_201279.2); short protein forms Q903K, Q920K, Q925K.
Identifiers: ClinVar variation 3032239 (VCV003032239.2), dbSNP rs184981869, ClinGen allele CA2069651.

ClinVar aggregate classification (germline): Likely benign (0 of 4 stars; one submission).

Conditions:
NRP2-related disorder. Also called: NRP2-related condition.

Allele frequency attached by ClinVar (database versions not stated): gnomAD 0.00009; ExAC 0.00015; 1000 Genomes Project 30x 0.00062; 1000 Genomes Project 0.00080.
gnomAD v4.1: 82 of 1,614,176 alleles (0.0051%); highest among the groups gnomAD compares: East Asian, 0.11%; no homozygotes.

Submission:

PreventionGenetics, part of Exact Sciences
Classification: Likely benign for NRP2-related condition. Last evaluated: 2022-02-02. Review status: no assertion criteria provided. Collection method: clinical testing. Allele origin: germline.
Comment: This variant is classified as likely benign based on ACMG/AMP sequence variant interpretation guidelines (Richards et al. 2015 PMID: 25741868, with internal and published modifications).